The following is an entry in ClinVar:

ClinVar aggregate classification (germline): Likely pathogenic (1 of 4 stars; one submission).

Conditions:
Cardiovascular phenotype. Identifiers: MedGen CN230736.

Submission:

Ambry Genetics
Classification: Likely pathogenic for Cardiovascular phenotype. Last evaluated: 2025-12-16. Review status: criteria provided, single submitter. Criteria: Ambry Variant Classification Scheme 2023. Collection method: clinical testing. Allele origin: germline.
Comment: The c.24306_24307delATins31 variant, located in coding exon 99 of the TTN gene, results from the deletion of two nucleotides and insertion of 31 nucleotides causing a translational frameshift with a predicted alternate stop codon (p.W8103Sfs*22). This exon is located in the A-band region of the N2-B isoform of the titin protein and is constitutively expressed in TTN transcripts (percent spliced in or PSI 100%). This alteration is expected to result in loss of function by premature protein truncation or nonsense-mediated mRNA decay. While truncating variants in TTN are present in 1-3% of the general population, truncating variants in the A-band are the most common cause of dilated cardiomyopathy (DCM) (Herman DS et al. N. Engl. J. Med., 2012 Feb;366:619-28; Roberts AM et al. Sci Transl Med, 2015 Jan;7:270ra6). TTN truncating variants encoded in constitutive exons (PSI >90%) have been found to be significantly associated with DCM regardless of their position in titin (Schafer S et al. Nat. Genet., 2017 01;49:46-53). This variant is considered to be rare based on population cohorts in the Genome Aggregation Database (gnomAD). Based on the majority of available evidence to date, this variant is likely to be pathogenic.

Literature cited by the submitters: PubMed 22335739; PubMed 25589632; PubMed 27869827.

NM_001267550.2(TTN):c.51501_51502delinsCTCCTTTGTAATAGGAGGTACCTTTGTAATA (p.Trp17168fs)

Genes: TTN (titin; minus strand), TTN-AS1 (TTN antisense RNA 1; plus strand). Cytogenetic location: 2q31.2.
Variant type: Indel.
Coding change: c.51501_51502delinsCTCCTTTGTAATAGGAGGTACCTTTGTAATA on transcript NM_001267550.2 (MANE Select); coding-DNA positions 51501 to 51502, the reference bases replaced by an inserted sequence.
Protein change: p.Trp17168fs; shifts the reading frame from tryptophan 17168.
Molecular consequence: frameshift variant.
Genome position (GRCh38, 1-based): chr2:178,609,921-178,609,922, 2 bases replaced. GRCh37 (hg19): chr2:179,474,648-179,474,649.
Other names: c.46578_46579delinsCTCCTTTGTAATAGGAGGTACCTTTGTAATA, p.Trp15527fs (NM_001256850.1); c.24306_24307delinsCTCCTTTGTAATAGGAGGTACCTTTGTAATA, p.Trp8103fs (NM_003319.4); c.43797_43798delinsCTCCTTTGTAATAGGAGGTACCTTTGTAATA, p.Trp14600fs (NM_133378.4); c.24681_24682delinsCTCCTTTGTAATAGGAGGTACCTTTGTAATA, p.Trp8228fs (NM_133432.3); c.24882_24883delinsCTCCTTTGTAATAGGAGGTACCTTTGTAATA, p.Trp8295fs (NM_133437.4); c.24306_24307delATinsCTCCTTTGTAATAGGAGGTACCTTTGTAATA (NM_003319.4); short protein forms W14600fs, W15527fs, W17168fs, W8103fs, W8228fs, W8295fs.
Identifiers: ClinVar variation 4690270 (VCV004690270.2).